The following is an entry in ClinVar:

NM_172057.2(KCNH2):c.2078_2080dup (p.Arg693_Pro694insArg)

Gene: KCNH2 (potassium voltage-gated channel subfamily H member 2; minus strand). Cytogenetic location: 7q36.1.
Variant type: Microsatellite.
Coding change: c.2078_2080dup on transcript NM_172057.2; coding-DNA positions 2078 to 2080, 3 bases duplicated (GGC; older notation c.2078_2080dupGGC).
Protein change: p.Arg693_Pro694insArg.
Molecular consequence: inframe insertion (on NM_000238.4).
Genome position (GRCh38, 1-based): chr7:150,947,380-150,947,382, GCC duplicated on the plus strand (GGC on the coding strand, the reverse complement: KCNH2 is on the minus strand); duplicating any 3 consecutive bases within chr7:150,947,380-150,947,386 gives the same sequence; the c. name uses the placement nearest the transcript's 3' end. VCF-style (leftmost placement, unchanged base first): chr7-150947379-G-GGCC. GRCh37 (hg19) VCF-style: chr7-150644467-G-GGCC.
Other names: c.3098_3100dupGGC (NM_000238.3, NM_000238.2); c.3095GGC[3], p.Arg1033dup (NM_000238.4); c.2075GGC[3], p.Arg693dup (NM_172057.3); c.3098_3100dup (NM_000238.4, NM_000238.2).
Identifiers: ClinVar variation 402997 (VCV000402997.49), dbSNP rs1060499872, ClinGen allele CA16609793.
Genomic context (GRCh38, chr7:150,947,379, plus strand): 5'-CTCCCTCACCTGTTGAGCTGGCGCTGGAGGGCATCCAGCCTGCTCTCCACGTCGCCCCGG[G>GGCC]GCCGCCGACCCGGGCTGGAGAGGGGGATGTTGAGGAGGCTGGGGGTGGGGGCGGGGCATC-3'

ClinVar aggregate classification (germline): Uncertain significance. Review status: criteria provided, multiple submitters, no conflicts (2 of 4 stars). 9 submissions from 9 submitters: Uncertain significance (9). Last evaluated 2025-12-28.

Conditions:
Cardiovascular phenotype. Identifiers: MedGen CN230736.
Cardiac arrhythmia. Also called: Cardiac rhythm disease; Arrhythmia. Identifiers: MedGen C0003811, MONDO:0007263, HP:0011675.
Short QT syndrome type 1. Identifiers: Orphanet 51083, MedGen C1865020, MONDO:0012312, OMIM 609620.
Long QT syndrome 2 (LQT2). Identifiers: Orphanet 101016, Orphanet 768, MedGen C3150943, MONDO:0013367, OMIM 613688.
Long QT syndrome (LQTS). Identifiers: MedGen C0023976, MeSH D008133, MONDO:0002442. Disease mechanism: loss of function. Inheritance: Various modes of inheritance.

Submissions (9):

Labcorp Genetics (formerly Invitae), Labcorp
Classification: Uncertain significance for Long QT syndrome. Last evaluated: 2025-12-28. Review status: criteria provided, single submitter. Criteria: Invitae Variant Classification Sherloc (09022015). Collection method: clinical testing. Allele origin: germline.
Comment: This variant, c.3098_3100dup, results in the insertion of 1 amino acid(s) of the KCNH2 protein (p.Arg1033dup), but otherwise preserves the integrity of the reading frame. This variant is present in population databases (no rsID available, gnomAD 0.02%). This variant has been observed in individual(s) with Long QT syndrome (PMID: 19716085). This variant is also known as c.3101_3103insGGC (p.1034insR). ClinVar contains an entry for this variant (Variation ID: 402997). Experimental studies and prediction algorithms are not available or were not evaluated, and the functional significance of this variant is currently unknown. In summary, the available evidence is currently insufficient to determine the role of this variant in disease. Therefore, it has been classified as a Variant of Uncertain Significance.

GeneDx
Classification: Uncertain significance. Last evaluated: 2025-07-02. Review status: criteria provided, single submitter. Criteria: GeneDx Variant Classification Process June 2021. Collection method: clinical testing. Allele origin: germline. Affected: yes.
Comment: Reported as c.3101_3103insGGC, due to alternate nomenclature, in one individual referred for LQTS genetic testing (PMID: 19716085); In-frame duplication of 1 amino acid in a non-repeat region; This variant is associated with the following publications: (PMID: 35130036, 19716085)

Ambry Genetics
Classification: Uncertain significance for Cardiovascular phenotype. Last evaluated: 2024-10-15. Review status: criteria provided, single submitter. Criteria: Ambry Variant Classification Scheme 2023. Collection method: clinical testing. Allele origin: germline.
Comment: The c.3098_3100dupGGC variant (also known as p.R1033dup) is located in coding exon 13 of the KCNH2 gene. This variant results from an in-frame duplication of GGC at nucleotide positions 3098 to 3100. This results in the duplication of an arginine residue at codon 1033. In a study of long QT syndrome clinical genetic testing, this alteration (referred to as c.3101_3103insGGC, p.1034insR) was reported in one patient; however, clinical details were limited (Kapplinger JD et al. Heart Rhythm, 2009 Sep;6:1297-303). This amino acid position is well conserved in available vertebrate species. In addition, the in silico prediction for this alteration is inconclusive (Choi Y et al. PLoS ONE. 2012; 7(10):e46688). Since supporting evidence is limited at this time, the clinical significance of this alteration remains unclear.

Color Diagnostics, LLC DBA Color Health
Classification: Uncertain significance for Cardiac arrhythmia. Last evaluated: 2024-05-15. Review status: criteria provided, single submitter. Criteria: ACMG Guidelines, 2015. Collection method: clinical testing. Allele origin: germline.
Comment: This variant causes a duplication of one amino acid at codon 1033 in the KCNH2 protein. To our knowledge, functional studies have not been reported for this variant. This variant (as known as c.3101_3103insGGC; p.1034insR) has been reported in an individual suspected of having long QT syndrome (PMID: 19716085). This variant has been identified in 4/31294 chromosomes in the general population by the Genome Aggregation Database (gnomAD). The available evidence is insufficient to determine the role of this variant in disease conclusively. Therefore, this variant is classified as a Variant of Uncertain Significance.

CeGaT Center for Human Genetics Tuebingen
Classification: Uncertain significance. Last evaluated: 2023-08-01. Review status: criteria provided, single submitter. Criteria: CeGaT Center For Human Genetics Tuebingen Variant Classification Criteria Version 2. Collection method: clinical testing. Allele origin: germline. Affected: yes. Observed: 1 variant allele.
Comment: KCNH2: PM2, PM4

AiLife Diagnostics
Classification: Uncertain significance. Last evaluated: 2022-02-11. Review status: criteria provided, single submitter. Criteria: ACMG Guidelines, 2015. Collection method: clinical testing. Allele origin: germline. Affected: yes. Observed: 2 variant alleles.

Fulgent Genetics
Classification: Uncertain significance for Short QT syndrome type 1; Long QT syndrome 2. Last evaluated: 2021-10-06. Review status: criteria provided, single submitter. Criteria: ACMG Guidelines, 2015. Collection method: clinical testing. Allele origin: unknown.

Laboratory for Molecular Medicine, Mass General Brigham Personalized Medicine
Classification: Uncertain significance. Last evaluated: 2016-06-23. Review status: criteria provided, single submitter. Criteria: LMM Criteria. Collection method: clinical testing. Allele origin: germline.
Comment: Variant identified in a genome or exome case(s) and assessed due to predicted null impact of the variant or pathogenic assertions in the literature or databases. Disclaimer: This variant has not undergone full assessment. The following are preliminary notes: Only reported in 1 proband

Breakthrough Genomics
Classification: Uncertain significance. Review status: criteria provided, single submitter. Criteria: ACMG Guidelines, 2015. Collection method: not provided. Allele origin: germline. Inheritance: Autosomal recessive inheritance. Affected: yes.

Literature cited by the submitters: PubMed 19716085 (cited by 4 submitters).